The following is an entry in ClinVar:

ClinVar aggregate classification (germline): Uncertain significance (1 of 4 stars; one submission).

Allele frequency attached by ClinVar (database versions not stated): TOPMed below 0.00001; gnomAD 0.00001; gnomAD exomes 0.00001; ExAC 0.00003.

Submission:

Labcorp Genetics (formerly Invitae), Labcorp
Classification: Uncertain significance. Last evaluated: 2024-01-18. Review status: criteria provided, single submitter. Criteria: Invitae Variant Classification Sherloc (09022015). Collection method: clinical testing. Allele origin: germline.
Comment: This sequence change replaces alanine, which is neutral and non-polar, with threonine, which is neutral and polar, at codon 240 of the MYH7B protein (p.Ala240Thr). This variant is present in population databases (rs776848903, gnomAD 0.01%). This variant has not been reported in the literature in individuals affected with MYH7B-related conditions. Advanced modeling of protein sequence and biophysical properties (such as structural, functional, and spatial information, amino acid conservation, physicochemical variation, residue mobility, and thermodynamic stability) performed at Invitae indicates that this missense variant is not expected to disrupt MYH7B protein function with a negative predictive value of 80%. In summary, the available evidence is currently insufficient to determine the role of this variant in disease. Therefore, it has been classified as a Variant of Uncertain Significance.

NM_020884.7(MYH7B):c.592G>A (p.Ala198Thr)

Gene: MYH7B (myosin heavy chain 7B; plus strand). Cytogenetic location: 20q11.22.
Variant type: single nucleotide variant.
Coding change: c.592G>A on transcript NM_020884.7 (MANE Select); coding-DNA position 592, G replaced by A.
Protein change: p.Ala198Thr; replaces alanine 198 with threonine.
Molecular consequence: missense variant.
Genome position (GRCh38, 1-based): chr20:34,982,523, G>A. VCF-style: chr20-34982523-G-A. GRCh37 (hg19) VCF-style: chr20-33570326-G-A.
Other names: short protein forms A198T.
Identifiers: ClinVar variation 2983876 (VCV002983876.3), dbSNP rs776848903, ClinGen allele CA9826519.